The following is an entry in ClinVar:

NM_001972.4(ELANE):c.11G>A (p.Gly4Asp)

Gene: ELANE (elastase, neutrophil expressed; plus strand). Cytogenetic location: 19p13.3.
Variant type: single nucleotide variant.
Coding change: c.11G>A on transcript NM_001972.4 (MANE Select); coding-DNA position 11, G replaced by A.
Protein change: p.Gly4Asp; replaces glycine 4 with aspartic acid.
Molecular consequence: missense variant.
Genome position (GRCh38, 1-based): chr19:852,339, G>A. VCF-style: chr19-852339-G-A. GRCh37 (hg19) VCF-style: chr19-852339-G-A.
Other names: short protein forms G4D.
Identifiers: ClinVar variation 5035887 (VCV005035887.1).

ClinVar aggregate classification (germline): Uncertain significance (1 of 4 stars; one submission).

Conditions:
Inborn genetic diseases. Identifiers: MedGen C0950123, MeSH D030342.

gnomAD v4.1: 4 of 1,609,992 alleles (0.00025%); highest among the groups gnomAD compares: Non-Finnish European, 0.00025%; no homozygotes.

Submission:

Ambry Genetics
Classification: Uncertain significance for Inborn genetic diseases. Last evaluated: 2026-07-20. Review status: criteria provided, single submitter. Criteria: Ambry Variant Classification Scheme 2023. Collection method: clinical testing. Allele origin: germline.
Comment: The p.G4D variant (also known as c.11G>A), located in coding exon 1 of the ELANE gene, results from a G to A substitution at nucleotide position 11. The glycine at codon 4 is replaced by aspartic acid, an amino acid with similar properties. This amino acid position is conserved. In addition, this alteration is predicted to be tolerated by in silico analysis. Based on the available evidence, the clinical significance of this variant remains unclear.